The following is an entry in ClinVar:

NM_033100.4(CDHR1):c.1705G>A (p.Val569Ile)

Gene: CDHR1 (cadherin related family member 1; plus strand). Cytogenetic location: 10q23.1.
Variant type: single nucleotide variant.
Coding change: c.1705G>A on transcript NM_033100.4 (MANE Select); coding-DNA position 1705, G replaced by A.
Protein change: p.Val569Ile; replaces valine 569 with isoleucine.
Molecular consequence: missense variant.
Genome position (GRCh38, 1-based): chr10:84,212,330, G>A. VCF-style: chr10-84212330-G-A. GRCh37 (hg19) VCF-style: chr10-85972086-G-A.
Other names: c.1705G>A, p.Val569Ile (NM_001171971.3); short protein forms V569I.
Identifiers: ClinVar variation 1371351 (VCV001371351.8), dbSNP rs148495852, ClinGen allele CA210386858.

ClinVar aggregate classification (germline): Uncertain significance. Review status: criteria provided, multiple submitters, no conflicts (2 of 4 stars). 3 submissions from 3 submitters: Uncertain significance (3). Last evaluated 2024-03-11.

Allele frequency attached by ClinVar (database versions not stated): gnomAD exomes below 0.00001; gnomAD 0.00001; TOPMed 0.00001.
gnomAD v4.1: 6 of 1,614,102 alleles (0.00037%); highest among the groups gnomAD compares: South Asian, 0.0022%; no homozygotes.

Submissions (3):

Blueprint Genetics
Classification: Uncertain significance. Last evaluated: 2024-03-11. Review status: criteria provided, single submitter. Criteria: ACMG Guidelines, 2015. Collection method: clinical testing. Allele origin: germline.

Labcorp Genetics (formerly Invitae), Labcorp
Classification: Uncertain significance. Last evaluated: 2022-03-18. Review status: criteria provided, single submitter. Criteria: Invitae Variant Classification Sherloc (09022015). Collection method: clinical testing. Allele origin: germline.
Comment: In summary, the available evidence is currently insufficient to determine the role of this variant in disease. Therefore, it has been classified as a Variant of Uncertain Significance. Advanced modeling of protein sequence and biophysical properties (such as structural, functional, and spatial information, amino acid conservation, physicochemical variation, residue mobility, and thermodynamic stability) performed at Invitae indicates that this missense variant is not expected to disrupt CDHR1 protein function. This variant has not been reported in the literature in individuals affected with CDHR1-related conditions. This variant is present in population databases (rs148495852, gnomAD 0.005%). This sequence change replaces valine, which is neutral and non-polar, with isoleucine, which is neutral and non-polar, at codon 569 of the CDHR1 protein (p.Val569Ile).

Breakthrough Genomics
Classification: Uncertain significance. Review status: criteria provided, single submitter. Criteria: ACMG Guidelines, 2015. Collection method: not provided. Allele origin: germline. Inheritance: Autosomal recessive inheritance. Affected: yes.